The following is an entry in ClinVar:

NM_001001548.3(CD36):c.1240_1243dup (p.Trp415fs)

Gene: CD36 (CD36 molecule (CD36 blood group); plus strand). Cytogenetic location: 7q21.11.
Variant type: Duplication.
Coding change: c.1240_1243dup on transcript NM_001001548.3 (MANE Select); coding-DNA positions 1240 to 1243, 4 bases duplicated (CTTT; older notation c.1240_1243dupCTTT).
Protein change: p.Trp415fs; shifts the reading frame from tryptophan 415.
Molecular consequence: frameshift variant. On other transcripts: non-coding transcript variant (1).
Genome position (GRCh38, 1-based): chr7:80,673,395-80,673,398, CTTT duplicated; duplicating any 4 consecutive bases within chr7:80,673,393-80,673,398 gives the same sequence; the c. name uses the placement nearest the transcript's 3' end. VCF-style (leftmost placement, unchanged base first): chr7-80673392-A-ATTCT. GRCh37 (hg19) VCF-style: chr7-80302708-A-ATTCT.
Other names: c.1240_1243dup, p.Trp415fs (NM_000072.3, NM_001001547.3, NM_001127443.2 and 5 more transcripts); c.1123_1126dup, p.Trp376fs (NM_001289908.1); c.1060_1063dup, p.Trp355fs (NM_001289909.1); c.1012_1015dup, p.Trp339fs (NM_001289911.2); c.1138_1141dup, p.Trp381fs (NM_001371079.1); c.775_778dup, p.Trp260fs (NM_001371080.1, NM_001371081.1); c.1240_1243dup (NM_001127443.1); short protein forms W260fs, W355fs, W376fs, W339fs, W381fs, W415fs.
Identifiers: ClinVar variation 1324033 (VCV001324033.7), dbSNP rs757142781, ClinGen allele CA4315749.

ClinVar aggregate classification (germline): Conflicting classifications of pathogenicity. Review status: criteria provided, conflicting classifications (1 of 4 stars). 4 submissions from 4 submitters: Pathogenic (1); Likely pathogenic (2); Uncertain significance (1). Last evaluated 2026-06-05.

Conditions:
CD36-related disorder. Also called: CD36-related condition; CD36-related disorders.
Platelet-type bleeding disorder 10. Also called: CD36 DEFICIENCY. Identifiers: MedGen C1842090, MONDO:0012031, OMIM 608404.

Submissions (4):

PreventionGenetics, part of Exact Sciences
Classification: Likely pathogenic for CD36-related condition. Last evaluated: 2026-06-05. Review status: criteria provided, single submitter. Criteria: ACMG Guidelines, 2015. Collection method: clinical testing. Allele origin: germline.
Comment: The CD36 c.1240_1243dupCTTT variant is predicted to result in a frameshift and premature protein termination (p.Trp415Serfs*4). To our knowledge, this variant has not been reported in the literature. This variant is reported in 0.21% of alleles in individuals of South Asian descent in gnomAD. Frameshift variants in CD36 are expected to be pathogenic. This variant is interpreted as likely pathogenic.

Genomic Medicine Center of Excellence, King Faisal Specialist Hospital and Research Centre
Classification: Pathogenic for Platelet-type bleeding disorder 10. Last evaluated: 2024-03-26. Review status: criteria provided, single submitter. Criteria: ACMG Guidelines, 2015. Collection method: clinical testing. Allele origin: germline.

Blueprint Genetics
Classification: Uncertain significance. Last evaluated: 2023-08-04. Review status: criteria provided, single submitter. Criteria: ACMG Guidelines, 2015. Collection method: clinical testing. Allele origin: germline.

Revvity Omics, Revvity
Classification: Likely pathogenic for Platelet-type bleeding disorder 10. Last evaluated: 2020-02-25. Review status: criteria provided, single submitter. Criteria: ACMG Guidelines, 2015. Collection method: clinical testing. Allele origin: germline.